The following is an entry in ClinVar:

NM_000719.7(CACNA1C):c.4079T>G (p.Leu1360Arg)

Gene: CACNA1C (calcium voltage-gated channel subunit alpha1 C; plus strand). Cytogenetic location: 12p13.33.
Variant type: single nucleotide variant.
Coding change: c.4079T>G on transcript NM_000719.7 (MANE Select); coding-DNA position 4079, T replaced by G.
Protein change: p.Leu1360Arg; replaces leucine 1360 with arginine.
Molecular consequence: missense variant.
Genome position (GRCh38, 1-based): chr12:2,653,839, T>G. VCF-style: chr12-2653839-T-G. GRCh37 (hg19) VCF-style: chr12-2763005-T-G.
Other names: c.4223T>G, p.Leu1408Arg (NM_001129827.2, NM_199460.4); c.4145T>G, p.Leu1382Arg (NM_001129829.2); c.4079T>G, p.Leu1360Arg (NM_001129830.3, NM_001129833.2, NM_001129834.2 and 7 more transcripts); c.4163T>G, p.Leu1388Arg (NM_001129831.2); c.4139T>G, p.Leu1380Arg (NM_001129832.2); c.4130T>G, p.Leu1377Arg (NM_001129836.2); c.4046T>G, p.Leu1349Arg (NM_001129837.2, NM_001129838.2, NM_001129846.2 and 1 more transcripts); c.4040T>G, p.Leu1347Arg (NM_001129839.2); and 1 more; short protein forms L1380R, L1388R, L1347R, L1349R, L1377R, L1360R, L1408R, L1357R.
Identifiers: ClinVar variation 4745784 (VCV004745784.1).

ClinVar aggregate classification (germline): Uncertain significance (1 of 4 stars; one submission).

Conditions:
Long QT syndrome (LQTS). Identifiers: MedGen C0023976, MeSH D008133, MONDO:0002442. Disease mechanism: loss of function. Inheritance: Various modes of inheritance.

Submission:

Labcorp Genetics (formerly Invitae), Labcorp
Classification: Uncertain significance for Long QT syndrome. Last evaluated: 2025-05-02. Review status: criteria provided, single submitter. Criteria: Invitae Variant Classification Sherloc (09022015). Collection method: clinical testing. Allele origin: germline.
Comment: This sequence change replaces leucine, which is neutral and non-polar, with arginine, which is basic and polar, at codon 1360 of the CACNA1C protein (p.Leu1360Arg). This variant is not present in population databases (gnomAD no frequency). This variant has not been reported in the literature in individuals affected with CACNA1C-related conditions. Invitae Evidence Modeling of protein sequence and biophysical properties (such as structural, functional, and spatial information, amino acid conservation, physicochemical variation, residue mobility, and thermodynamic stability) indicates that this missense variant is expected to disrupt CACNA1C protein function with a positive predictive value of 95%. In summary, the available evidence is currently insufficient to determine the role of this variant in disease. Therefore, it has been classified as a Variant of Uncertain Significance.